The following is an entry in ClinVar:

ClinVar aggregate classification (germline): Likely pathogenic. Review status: criteria provided, multiple submitters, no conflicts (2 of 4 stars). 2 submissions from 2 submitters: Likely pathogenic (2). Last evaluated 2024-03-04.

Conditions:
Bartter disease type 2. Also called: HYPOKALEMIC ALKALOSIS WITH HYPERCALCIURIA 2, ANTENATAL; HYPERPROSTAGLANDIN E SYNDROME 2; Bartter syndrome, type 2, antenatal. Identifiers: Orphanet 112, Orphanet 620220, MedGen C1855849, MONDO:0009424, OMIM 241200.

Allele frequency attached by ClinVar (database versions not stated): TOPMed 0.00001; gnomAD 0.00002.
gnomAD v4.1: 7 of 1,613,872 alleles (0.00043%); highest among the groups gnomAD compares: Non-Finnish European, 0.00051%; no homozygotes.

Submissions (2):

Fulgent Genetics
Classification: Likely pathogenic for Bartter disease type 2. Last evaluated: 2024-03-04. Review status: criteria provided, single submitter. Criteria: ACMG Guidelines, 2015. Collection method: clinical testing. Allele origin: germline.

Labcorp Genetics (formerly Invitae), Labcorp
Classification: Likely pathogenic. Last evaluated: 2023-12-30. Review status: criteria provided, single submitter. Criteria: Invitae Variant Classification Sherloc (09022015). Collection method: clinical testing. Allele origin: germline.
Comment: This sequence change replaces tryptophan, which is neutral and slightly polar, with cysteine, which is neutral and slightly polar, at codon 99 of the KCNJ1 protein (p.Trp99Cys). This variant is present in population databases (no rsID available, gnomAD 0.01%). This missense change has been observed in individual(s) with Bartter syndrome (PMID: 9002665, 11318951). In at least one individual the data is consistent with being in trans (on the opposite chromosome) from a pathogenic variant. An algorithm developed to predict the effect of missense changes on protein structure and function (PolyPhen-2) suggests that this variant is likely to be disruptive. Experimental studies have shown that this missense change affects KCNJ1 function (PMID: 11318951). In summary, the currently available evidence indicates that the variant is pathogenic, but additional data are needed to prove that conclusively. Therefore, this variant has been classified as Likely Pathogenic.

Literature cited by the submitters: PubMed 9002665 (cited by Labcorp Genetics (formerly Invitae), Labcorp); PubMed 11318951 (cited by Labcorp Genetics (formerly Invitae), Labcorp).

NM_153766.3(KCNJ1):c.240G>T (p.Trp80Cys)

Gene: KCNJ1 (potassium inwardly rectifying channel subfamily J member 1; minus strand). Cytogenetic location: 11q24.3.
Variant type: single nucleotide variant.
Coding change: c.240G>T on transcript NM_153766.3 (MANE Select); coding-DNA position 240, G replaced by T.
Protein change: p.Trp80Cys; replaces tryptophan 80 with cysteine.
Molecular consequence: missense variant.
Genome position (GRCh38, 1-based): chr11:128,840,004, C>A on the plus strand (G>T on the coding strand, the complement: KCNJ1 is on the minus strand). VCF-style: chr11-128840004-C-A. GRCh37 (hg19) VCF-style: chr11-128709899-C-A.
Other names: c.297G>T, p.Trp99Cys (NM_000220.6); c.240G>T, p.Trp80Cys (NM_153764.3, NM_153767.4); c.291G>T, p.Trp97Cys (NM_153765.3); short protein forms W99C, W80C, W97C.
Identifiers: ClinVar variation 2735787 (VCV002735787.4), dbSNP rs1213764655, ClinGen allele CA383246548.